The following is an entry in ClinVar:

NC_000003.12:g.169764954C>G

Genes: TERC (telomerase RNA component; minus strand), LOC110806306 (telomerase RNA component (TERC) promoter; plus strand). Cytogenetic location: 3q26.2.
Variant type: single nucleotide variant.
Genome position: GRCh38 VCF-style: chr3-169764954-C-G. GRCh37 (hg19) VCF-style: chr3-169482742-C-G.
Identifiers: ClinVar variation 1005898 (VCV001005898.11), dbSNP rs1553915617, ClinGen allele CA436715783.

ClinVar aggregate classification (germline): Conflicting classifications of pathogenicity. Review status: criteria provided, conflicting classifications (1 of 4 stars). 2 submissions from 2 submitters: Likely pathogenic (1); Uncertain significance (1). Last evaluated 2023-02-22.

Conditions:
Dyskeratosis congenita, autosomal dominant 1 (DKCA1). Also called: Dyskeratosis congenita Scoggins type. Identifiers: Orphanet 1775, MedGen C4551974, MONDO:0007485, OMIM 127550. Inheritance: Variable.
TERC-related disorder. Also called: TERC-related condition.

Submissions (2):

Blueprint Genetics
Classification: Likely pathogenic for TERC-related disorders. Last evaluated: 2023-02-22. Review status: criteria provided, single submitter. Criteria: ACMG Guidelines, 2015. Collection method: clinical testing. Allele origin: germline. Affected: yes. Observed: 1 variant allele.

Labcorp Genetics (formerly Invitae), Labcorp
Classification: Uncertain significance for Dyskeratosis congenita, autosomal dominant 1. Last evaluated: 2020-08-04. Review status: criteria provided, single submitter. Criteria: Invitae Variant Classification Sherloc (09022015). Collection method: clinical testing. Allele origin: germline.
Comment: In summary, the available evidence is currently insufficient to determine the role of this variant in disease. Therefore, it has been classified as a Variant of Uncertain Significance. This variant is located within the template/pseudoknot domain of the TERC RNA component, which is required for RNA or RNP stability (PMID: 15082312, 21844345). A significant number of disease associated TERC variants are found in this region (PMID: 21931702). This variant has been observed in individual(s) with TERC-related conditions (PMID: 30523342). This variant is not present in population databases (ExAC no frequency). This variant occurs in the TERC gene, which encodes an RNA molecule that does not result in a protein product.

Literature cited by the submitters: PubMed 15082312 (cited by Labcorp Genetics (formerly Invitae), Labcorp); PubMed 21844345 (cited by Labcorp Genetics (formerly Invitae), Labcorp); PubMed 21931702 (cited by Labcorp Genetics (formerly Invitae), Labcorp); PubMed 30523342 (cited by Labcorp Genetics (formerly Invitae), Labcorp).